The following is an entry in ClinVar:

NM_001378120.1(MBD5):c.1368G>T (p.Ser456=)

Gene: MBD5 (methyl-CpG binding domain protein 5; plus strand). Cytogenetic location: 2q23.1.
Variant type: single nucleotide variant.
Coding change: c.1368G>T on transcript NM_001378120.1 (MANE Select); coding-DNA position 1368, G replaced by T.
Protein change: p.Ser456=; no amino-acid change (serine 456 retained).
Molecular consequence: synonymous variant.
Genome position (GRCh38, 1-based): chr2:148,469,311, G>T. VCF-style: chr2-148469311-G-T. GRCh37 (hg19) VCF-style: chr2-149226880-G-T.
Other names: p.S456S:TCG>TCT; c.1368G>T, p.Ser456= (NM_018328.5).
Identifiers: ClinVar variation 138174 (VCV000138174.60), dbSNP rs146020786, ClinGen allele CA292019.

ClinVar aggregate classification (germline): Benign/Likely benign. Review status: criteria provided, multiple submitters, no conflicts (2 of 4 stars). 9 submissions from 9 submitters: Benign (3); Likely benign (4). 2 of the submissions do not count toward it. Last evaluated 2026-08-01.

Conditions:
Inborn genetic diseases. Identifiers: MedGen C0950123, MeSH D030342.
Intellectual developmental disorder, autosomal dominant 1. Also called: Intellectual disability, autosomal dominant 1; MBD5 Haploinsufficiency. Identifiers: Orphanet 228402, MedGen C1969562, MONDO:0007974, OMIM 156200.

Allele frequency attached by ClinVar (database versions not stated): ESP Exome Variant Server 0.00100; gnomAD exomes 0.00102; ExAC 0.00111; gnomAD 0.00115; TOPMed 0.00166.
gnomAD v4.1: 2,586 of 1,613,604 alleles (0.16%); highest among the groups gnomAD compares: Non-Finnish European, 0.2%; 4 homozygotes.

Submissions (9):

CeGaT Center for Human Genetics Tuebingen
Classification: Likely benign. Last evaluated: 2026-08-01. Review status: criteria provided, single submitter. Criteria: CeGaT Center For Human Genetics Tuebingen Variant Classification Criteria Version 2. Collection method: clinical testing. Allele origin: germline. Affected: yes. Observed: 12 variant alleles.
Comment: MBD5: BP4, BP7, BS1

Labcorp Genetics (formerly Invitae), Labcorp
Classification: Benign for Intellectual developmental disorder, autosomal dominant 1. Last evaluated: 2026-01-24. Review status: criteria provided, single submitter. Criteria: Invitae Variant Classification Sherloc (09022015). Collection method: clinical testing. Allele origin: germline.

Blueprint Genetics
Classification: Likely benign. Last evaluated: 2024-11-08. Review status: criteria provided, single submitter. Criteria: ACMG Guidelines, 2015. Collection method: clinical testing. Allele origin: germline.

Ambry Genetics
Classification: Likely benign for Inborn genetic diseases. Last evaluated: 2016-06-23. Review status: criteria provided, single submitter. Criteria: Ambry Variant Classification Scheme 2023. Collection method: clinical testing. Allele origin: germline.

Genetic Services Laboratory, University of Chicago
Classification: Likely benign. Last evaluated: 2016-05-27. Review status: criteria provided, single submitter. Criteria: ACMG Guidelines, 2015. Collection method: clinical testing. Allele origin: germline. Affected: no.

Eurofins Ntd Llc (ga)
Classification: Benign. Last evaluated: 2015-07-15. Review status: criteria provided, single submitter. Criteria: EGL Classification Definitions 2015. Collection method: clinical testing. Allele origin: germline. Observed: 1 variant allele, 1 heterozygote.

GeneDx
Classification: Benign. Last evaluated: 2014-05-01. Review status: criteria provided, single submitter. Criteria: GeneDx Variant Classification (06012015). Collection method: clinical testing. Allele origin: germline. Affected: yes.
Comment: This variant is considered likely benign or benign based on one or more of the following criteria: it is a conservative change, it occurs at a poorly conserved position in the protein, it is predicted to be benign by multiple in silico algorithms, and/or has population frequency not consistent with disease.

Clinical Genetics DNA and cytogenetics Diagnostics Lab, Erasmus MC, Erasmus Medical Center
Classification: Likely benign. Review status: no assertion criteria provided. Collection method: clinical testing. Allele origin: germline. Affected: yes. Study: VKGL Data-share Consensus. Not counted in ClinVar's aggregate classification.

Diagnostic Laboratory, Department of Genetics, University Medical Center Groningen
Classification: Likely benign. Review status: no assertion criteria provided. Collection method: clinical testing. Allele origin: germline. Affected: yes. Study: VKGL Data-share Consensus. Not counted in ClinVar's aggregate classification.